The following is an entry in ClinVar:

ClinVar aggregate classification (germline): Uncertain significance. Review status: criteria provided, multiple submitters, no conflicts (2 of 4 stars). 2 submissions from 2 submitters: Uncertain significance (2). Last evaluated 2026-02-24.

Conditions:
Inborn genetic diseases. Identifiers: MedGen C0950123, MeSH D030342.

Allele frequency attached by ClinVar (database versions not stated): gnomAD 0.00001 and 0.00002; gnomAD exomes 0.00001; TOPMed 0.00002.
gnomAD v4.1: 20 of 1,551,162 alleles (0.0013%); highest among the groups gnomAD compares: South Asian, 0.0083%; no homozygotes.

Submissions (2):

Ambry Genetics
Classification: Uncertain significance for Inborn genetic diseases. Last evaluated: 2026-02-24. Review status: criteria provided, single submitter. Criteria: Ambry Variant Classification Scheme 2023. Collection method: clinical testing. Allele origin: germline.
Comment: The c.2282G>A (p.R761Q) alteration is located in exon 10 (coding exon 10) of the ZSWIM6 gene. This alteration results from a G to A substitution at nucleotide position 2282, causing the arginine (R) at amino acid position 761 to be replaced by a glutamine (Q). Based on data from gnomAD, the A allele has an overall frequency of 0.003% (1/31388) total alleles studied. The highest observed frequency was 0.007% (1/15428) of European (non-Finnish) alleles. Based on insufficient or conflicting evidence, the clinical significance of this alteration remains unclear.

Labcorp Genetics (formerly Invitae), Labcorp
Classification: Uncertain significance. Last evaluated: 2023-09-10. Review status: criteria provided, single submitter. Criteria: Invitae Variant Classification Sherloc (09022015). Collection method: clinical testing. Allele origin: germline.
Comment: In summary, the available evidence is currently insufficient to determine the role of this variant in disease. Therefore, it has been classified as a Variant of Uncertain Significance. Advanced modeling of protein sequence and biophysical properties (such as structural, functional, and spatial information, amino acid conservation, physicochemical variation, residue mobility, and thermodynamic stability) performed at Invitae indicates that this missense variant is not expected to disrupt ZSWIM6 protein function. ClinVar contains an entry for this variant (Variation ID: 1385424). This variant has not been reported in the literature in individuals affected with ZSWIM6-related conditions. This variant is present in population databases (no rsID available, gnomAD 0.007%). This sequence change replaces arginine, which is basic and polar, with glutamine, which is neutral and polar, at codon 761 of the ZSWIM6 protein (p.Arg761Gln).

NM_020928.2(ZSWIM6):c.2282G>A (p.Arg761Gln)

Gene: ZSWIM6 (zinc finger SWIM-type containing 6; plus strand). Cytogenetic location: 5q12.1.
Variant type: single nucleotide variant.
Coding change: c.2282G>A on transcript NM_020928.2 (MANE Select); coding-DNA position 2282, G replaced by A.
Protein change: p.Arg761Gln; replaces arginine 761 with glutamine.
Molecular consequence: missense variant.
Genome position (GRCh38, 1-based): chr5:61,535,520, G>A. VCF-style: chr5-61535520-G-A. GRCh37 (hg19) VCF-style: chr5-60831347-G-A.
Other names: c.2282G>A (NM_020928.1); short protein forms R761Q.
Identifiers: ClinVar variation 1385424 (VCV001385424.8), dbSNP rs1454367109, ClinGen allele CA359944999.